The following is an entry in ClinVar:

ClinVar aggregate classification (germline): Conflicting classifications of pathogenicity. Review status: criteria provided, conflicting classifications (1 of 4 stars). 3 submissions from 2 submitters: Likely pathogenic (1); Uncertain significance (2). Last evaluated 2023-03-20.

Conditions:
Retinitis pigmentosa (RP). Identifiers: Orphanet 791, MedGen C0035334, MeSH D012174, MONDO:0019200, OMIM 268000. Inheritance: Autosomal dominant, autosomal recessive and X linked inheritance.
Bardet-Biedl syndrome 4 (BBS4). Identifiers: Orphanet 110, MedGen C2936864, MONDO:0014433, OMIM 615982.

gnomAD v4.1: 1 of 1,614,182 alleles (0.000062%); highest among the groups gnomAD compares: Non-Finnish European, 0.000085%; no homozygotes.

Submissions (3):

Baylor Genetics
Classification: Likely pathogenic for Bardet-Biedl syndrome 4. Last evaluated: 2023-03-20. Review status: criteria provided, single submitter. Criteria: ACMG Guidelines, 2015. Collection method: clinical testing. Allele origin: unknown.

Broad Center for Mendelian Genomics, Broad Institute of MIT and Harvard
Classification: Uncertain significance for Bardet-Biedl syndrome 4. Last evaluated: 2022-05-04. Review status: criteria provided, single submitter. Criteria: ACMG Guidelines, 2015. Collection method: curation. Allele origin: germline. Inheritance: Autosomal recessive inheritance.
Comment: The variant has not been previously reported in individuals with Bardet-Biedl syndrome 4 and was absent from large population studies. This variant occurs in the invariant region (+/- 1/2) of the splice consensus sequence and is predicted to cause altered splicing leading to an abnormal or absent protein. Loss of function of the BBS4 gene is a moderately established disease mechanism in autosomal recessive Bardet-Biedl syndrome 4. In summary, while there is some suspicion for a pathogenic role, the clinical significance of this variant is uncertain. ACMG/AMP Criteria applied: PM2, PVS1_supporting, PM3 (Richards 2015).

Broad Center for Mendelian Genomics, Broad Institute of MIT and Harvard
Classification: Uncertain significance for Retinitis pigmentosa. Last evaluated: 2021-04-01. Review status: criteria provided, single submitter. Criteria: ACMG Guidelines, 2015. Collection method: curation. Allele origin: germline. Inheritance: Autosomal recessive inheritance. Affected: yes.
Comment: Through a review of available evidence we were able to apply the following criteria: . Based on this evidence we have classified this variant as a Variant of Uncertain Significance. If you have any questions about the classification please reach out to the Pierce Lab.

Literature cited by the submitters: PubMed 34906470 (cited by Broad Center for Mendelian Genomics, Broad Institute of MIT and Harvard).

NM_033028.5(BBS4):c.864+1G>C

Gene: BBS4 (Bardet-Biedl syndrome 4; plus strand). Cytogenetic location: 15q24.1.
Variant type: single nucleotide variant.
Coding change: c.864+1G>C on transcript NM_033028.5 (MANE Select); the canonical splice donor site of the intron after coding-DNA position 864, G replaced by C.
Molecular consequence: splice donor variant.
Genome position (GRCh38, 1-based): chr15:72,731,458, G>C. VCF-style: chr15-72731458-G-C. GRCh37 (hg19) VCF-style: chr15-73023799-G-C.
Other names: NM_033028.5:c.864+1G>C; c.795+1G>C (NM_001320665.2); c.348+1G>C (NM_001252678.2).
Identifiers: ClinVar variation 1297144 (VCV001297144.4), dbSNP rs2151047618, ClinGen allele CA393078710.